The following is an entry in ClinVar:

NM_017780.4(CHD7):c.395_400delinsCAA (p.Glu132_His134delinsAlaAsn)

Gene: CHD7 (chromodomain helicase DNA binding protein 7; plus strand). Cytogenetic location: 8q12.2.
Variant type: Indel.
Coding change: c.395_400delinsCAA on transcript NM_017780.4 (MANE Select); coding-DNA positions 395 to 400, AGAGGC replaced by CAA.
Protein change: p.Glu132_His134delinsAlaAsn.
Molecular consequence: inframe indel.
Genome position (GRCh38, 1-based): chr8:60,741,827-60,741,832, AGAGGC replaced by CAA. VCF-style: chr8-60741827-AGAGGC-CAA. GRCh37 (hg19) VCF-style: chr8-61654386-AGAGGC-CAA.
Other names: c.395_400delinsCAA, p.Glu132_His134delinsAlaAsn (NM_001316690.1).
Identifiers: ClinVar variation 970874 (VCV000970874.6), dbSNP rs1809038190, ClinGen allele CA1139660583.

ClinVar aggregate classification (germline): Uncertain significance (1 of 4 stars; one submission).

Conditions:
CHARGE syndrome (CHARGE). Also called: Hittner Hirsch Kreh syndrome; Coloboma, heart anomaly, choanal atresia, retardation, genital and ear anomalies; CHARGE association; Hall-Hittner syndrome; CHARGE ASSOCIATION--COLOBOMA, HEART ANOMALY, CHOANAL ATRESIA, RETARDATION, GENITAL AND EAR ANOMALIES. Identifiers: Orphanet 138, MedGen C0265354, MONDO:0008965.

Submission:

Labcorp Genetics (formerly Invitae), Labcorp
Classification: Uncertain significance for CHARGE syndrome. Last evaluated: 2019-07-30. Review status: criteria provided, single submitter. Criteria: Invitae Variant Classification Sherloc (09022015). Collection method: clinical testing. Allele origin: germline.
Comment: This variant is not present in population databases (ExAC no frequency). This variant has not been reported in the literature in individuals with CHD7-related conditions. Experimental studies and prediction algorithms are not available or were not evaluated for this variant, and the functional significance of the affected amino acid(s) is currently unknown. In summary, the available evidence is currently insufficient to determine the role of this variant in disease. Therefore, it has been classified as a Variant of Uncertain Significance. This variant, c.395_400delinsCAA, results in the deletion of 3 amino acids and insertion of 2 amino acids of the CHD7 protein (p.Glu132_His134delinsAlaAsn), but otherwise preserves the integrity of the reading frame.